The following is an entry in ClinVar:

NM_022765.4(MICAL1):c.947C>T (p.Thr316Ile)

Gene: MICAL1 (microtubule associated monooxygenase, calponin and LIM domain containing 1; minus strand). Cytogenetic location: 6q21.
Variant type: single nucleotide variant.
Coding change: c.947C>T on transcript NM_022765.4 (MANE Select); coding-DNA position 947, C replaced by T.
Protein change: p.Thr316Ile; replaces threonine 316 with isoleucine.
Molecular consequence: missense variant. On other transcripts: intron variant (1).
Genome position (GRCh38, 1-based): chr6:109,450,544, G>A on the plus strand (C>T on the coding strand, the complement: MICAL1 is on the minus strand). VCF-style: chr6-109450544-G-A. GRCh37 (hg19) VCF-style: chr6-109771747-G-A.
Other names: c.1004C>T, p.Thr335Ile (NM_001286613.2); c.934-459C>T (NM_001159291.2); short protein forms T335I, T316I.
Identifiers: ClinVar variation 2990502 (VCV002990502.3), dbSNP rs753262674, ClinGen allele CA3953544.

ClinVar aggregate classification (germline): Uncertain significance (1 of 4 stars; one submission).

Allele frequency attached by ClinVar (database versions not stated): gnomAD exomes below 0.00001; ExAC 0.00001.
gnomAD v4.1: 4 of 1,609,414 alleles (0.00025%); highest among the groups gnomAD compares: Admixed American, 0.0017%; no homozygotes.

Submission:

Labcorp Genetics (formerly Invitae), Labcorp
Classification: Uncertain significance. Last evaluated: 2023-03-23. Review status: criteria provided, single submitter. Criteria: Invitae Variant Classification Sherloc (09022015). Collection method: clinical testing. Allele origin: germline.
Comment: This variant has not been reported in the literature in individuals affected with MICAL1-related conditions. This variant is present in population databases (rs753262674, gnomAD 0.003%). This sequence change replaces threonine, which is neutral and polar, with isoleucine, which is neutral and non-polar, at codon 335 of the MICAL1 protein (p.Thr335Ile). In summary, the available evidence is currently insufficient to determine the role of this variant in disease. Therefore, it has been classified as a Variant of Uncertain Significance. Algorithms developed to predict the effect of missense changes on protein structure and function output the following: SIFT: "Not Available"; PolyPhen-2: "Benign"; Align-GVGD: "Not Available". The isoleucine amino acid residue is found in multiple mammalian species, which suggests that this missense change does not adversely affect protein function.